The following is an entry in ClinVar:

ClinVar aggregate classification (germline): Uncertain significance (1 of 4 stars; one submission).

Conditions:
Ataxia-telangiectasia syndrome (AT). Also called: Ataxia-telangiectasia, complementation group E; Ataxia telangiectasia (A-T); Cerebello-oculocutaneous telangiectasia; Immunodeficiency with ataxia telangiectasia; Ataxia-telangiectasia, complementation group D; ATAXIA-TELANGIECTASIA, COMPLEMENTATION GROUP A. Identifiers: Orphanet 100, MedGen C0004135, MONDO:0008840, OMIM 208900.

Submission:

Labcorp Genetics (formerly Invitae), Labcorp
Classification: Uncertain significance for Ataxia-telangiectasia syndrome. Last evaluated: 2023-05-17. Review status: criteria provided, single submitter. Criteria: Invitae Variant Classification Sherloc (09022015). Collection method: clinical testing. Allele origin: germline.
Comment: This sequence change replaces serine, which is neutral and polar, with threonine, which is neutral and polar, at codon 549 of the ATM protein (p.Ser549Thr). This variant is not present in population databases (gnomAD no frequency). This variant has not been reported in the literature in individuals affected with ATM-related conditions. ClinVar contains an entry for this variant (Variation ID: 1979244). An algorithm developed to predict the effect of missense changes on protein structure and function (PolyPhen-2) suggests that this variant is likely to be tolerated. In summary, the available evidence is currently insufficient to determine the role of this variant in disease. Therefore, it has been classified as a Variant of Uncertain Significance.

NM_000051.4(ATM):c.1646G>C (p.Ser549Thr)

Gene: ATM (ATM serine/threonine kinase; plus strand). Cytogenetic location: 11q22.3.
Variant type: single nucleotide variant.
Coding change: c.1646G>C on transcript NM_000051.4 (MANE Select); coding-DNA position 1646, G replaced by C.
Protein change: p.Ser549Thr; replaces serine 549 with threonine.
Molecular consequence: missense variant.
Genome position (GRCh38, 1-based): chr11:108,251,875, G>C. VCF-style: chr11-108251875-G-C. GRCh37 (hg19) VCF-style: chr11-108122602-G-C.
Other names: c.1646G>C, p.Ser549Thr (NM_001351834.2); short protein forms S549T.
Identifiers: ClinVar variation 1979244 (VCV001979244.4), dbSNP rs2080166953, ClinGen allele CA382534541.
Genomic context (GRCh38, chr11:108,251,875, plus strand): 5'-ATTGTCCTTTGTTTTGTTATAGTCCTGCAGTATGCTGTTTGACTTTGGCACTGACCACCA[G>C]TATAGTTCCAGGAACGGTAAAAATGGGAATAGAGCAAAATATGTGTGAAGTAAATAGAAG-3'
Protein context (NP_000042.3, residues 539-559): VCCLTLALTT[Ser549Thr]IVPGTVKMGI